The following is an entry in ClinVar:

NM_016474.5(CCDC174):c.1267C>T (p.Gln423Ter)

Genes: CCDC174 (coiled-coil domain containing 174; plus strand), LOC126806614 (BRD4-independent group 4 enhancer GRCh37_chr3:14712491-14713690; plus strand). Cytogenetic location: 3p25.1.
Variant type: single nucleotide variant.
Coding change: c.1267C>T on transcript NM_016474.5 (MANE Select); coding-DNA position 1267, C replaced by T.
Protein change: p.Gln423Ter; replaces glutamine 423 with a stop codon.
Molecular consequence: nonsense. On other transcripts: non-coding transcript variant (1).
Genome position (GRCh38, 1-based): chr3:14,671,057, C>T. VCF-style: chr3-14671057-C-T. GRCh37 (hg19) VCF-style: chr3-14712564-C-T.
Other names: c.1039C>T, p.Gln347Ter (NM_001410719.1); short protein forms Q347*, Q423*.
Identifiers: ClinVar variation 4689545 (VCV004689545.1).
Genomic context (GRCh38, chr3:14,671,057, plus strand): 5'-ACTGGTTTTTCCAGCAGCCAGGCATGGAGCAGACCTGGGCCAGCACAGAGTGACCCAGGG[C>T]AGTGCCCTGACCAGAGCCACGGACCTAGCCCTGAACATACGTCACCCACTCCTGCCCCCG-3'

ClinVar aggregate classification (germline): Uncertain significance (1 of 4 stars; one submission).

gnomAD v4.1: 4 of 1,614,182 alleles (0.00025%); highest among the groups gnomAD compares: Admixed American, 0.005%; no homozygotes.

Submission:

Women's Health and Genetics/Laboratory Corporation of America, LabCorp
Classification: Uncertain significance. Last evaluated: 2026-01-08. Review status: criteria provided, single submitter. Criteria: LabCorp Variant Classification Summary - May 2015. Collection method: clinical testing. Allele origin: germline.
Comment: Variant summary: CCDC174 c.1267C>T (p.Gln423X) results in a premature termination codon, predicted to cause a truncation of the encoded protein and is not subject to nonsense mediated decay, however current evidence is not sufficient to establish loss of function as a mechanism for disease, and no downstream pathogenic/likely pathogenic missense/in-frame deletions have been reported. The variant allele was found at a frequency of 8e-06 in 251334 control chromosomes. The available data on variant occurrences in the general population are insufficient to allow any conclusion about variant significance. To our knowledge, no occurrence of c.1267C>T in individuals affected with CCDC174-related conditions and no experimental evidence demonstrating its impact on protein function have been reported. No submitters have cited clinical-significance assessments for this variant to ClinVar. Based on the evidence outlined above, the variant was classified as uncertain significance.